The following is an entry in ClinVar:

NM_002834.5(PTPN11):c.1361C>T (p.Pro454Leu)

Gene: PTPN11 (protein tyrosine phosphatase non-receptor type 11; plus strand). Cytogenetic location: 12q24.13.
Variant type: single nucleotide variant.
Coding change: c.1361C>T on transcript NM_002834.5 (MANE Select); coding-DNA position 1361, C replaced by T.
Protein change: p.Pro454Leu; replaces proline 454 with leucine.
Molecular consequence: missense variant.
Genome position (GRCh38, 1-based): chr12:112,486,611, C>T. VCF-style: chr12-112486611-C-T. GRCh37 (hg19) VCF-style: chr12-112924415-C-T.
Other names: c.1373C>T, p.Pro458Leu (NM_001330437.2); c.1358C>T, p.Pro453Leu (NM_001374625.1); c.1361C>T, p.Pro454Leu (NM_080601.3); short protein forms P454L, P458L, P453L.
Identifiers: ClinVar variation 591599 (VCV000591599.8), dbSNP rs1566185599, ClinGen allele CA386777696.

ClinVar aggregate classification (germline): Uncertain significance. Review status: criteria provided, multiple submitters, no conflicts (2 of 4 stars). 6 submissions from 4 submitters: Uncertain significance (5). 1 of the submissions does not count toward it. Last evaluated 2026-06-07.

Conditions:
RASopathy. Also called: rasopathies; Noonan spectrum disorder. Identifiers: Orphanet 536391, MedGen C5555857, MONDO:0021060.
LEOPARD syndrome 1 (LPRD1). Also called: LENTIGINOSIS, CARDIOMYOPATHIC; MULTIPLE LENTIGINES SYNDROME; PTPN11-Related LEOPARD Syndrome. Identifiers: Orphanet 500, MedGen C4551484, MONDO:0100082, OMIM 151100.
Noonan syndrome 1 (NS1). Also called: PTPN11-Related Noonan Syndrome; TURNER PHENOTYPE WITH NORMAL KARYOTYPE; FEMALE PSEUDO-TURNER SYNDROME. Identifiers: Orphanet 648, MedGen C4551602, MONDO:0008104, OMIM 163950. Disease mechanism: gain of function.
Metachondromatosis (METCDS). Identifiers: Orphanet 2499, MedGen C0410530, MONDO:0007979, OMIM 156250.

Allele frequency attached by ClinVar (database versions not stated): gnomAD exomes below 0.00001; gnomAD 0.00001.
gnomAD v4.1: 7 of 1,612,798 alleles (0.00043%); highest among the groups gnomAD compares: East Asian, 0.011%; no homozygotes.

Submissions (6):

GeneDx
Classification: Uncertain significance. Last evaluated: 2026-06-07. Review status: criteria provided, single submitter. Criteria: GeneDx Variant Classification Process June 2021. Collection method: clinical testing. Allele origin: germline.
Comment: Reported as a de novo variant in a patient with multiple cafe-au-lait spots, Lisch nodules and axillary and/or inguinal freckling who also harbors a splice site variant in the NF1 gene (PMID: 34346503); Not observed at significant frequency in large population cohorts (gnomAD); In silico analysis supports that this missense variant has a deleterious effect on protein structure/function; Missense variants in this gene are often considered pathogenic (HGMD); This variant is associated with the following publications: (PMID: 29493581, 34346503, 40442926, 40945068, 40404351)

Labcorp Genetics (formerly Invitae), Labcorp
Classification: Uncertain significance for RASopathy. Last evaluated: 2025-10-22. Review status: criteria provided, single submitter. Criteria: Invitae Variant Classification Sherloc (09022015). Collection method: clinical testing. Allele origin: germline.
Comment: This sequence change replaces proline, which is neutral and non-polar, with leucine, which is neutral and non-polar, at codon 454 of the PTPN11 protein (p.Pro454Leu). This variant is not present in population databases (gnomAD no frequency). This missense change has been observed in individual(s) with neurofibromatosis 1 (PMID: 34346503). ClinVar contains an entry for this variant (Variation ID: 591599). Invitae Evidence Modeling of protein sequence and biophysical properties (such as structural, functional, and spatial information, amino acid conservation, physicochemical variation, residue mobility, and thermodynamic stability) indicates that this missense variant is expected to disrupt PTPN11 protein function with a positive predictive value of 95%. Experimental studies have shown that this missense change affects PTPN11 function (PMID: 34346503). In summary, the available evidence is currently insufficient to determine the role of this variant in disease. Therefore, it has been classified as a Variant of Uncertain Significance.

Illumina Laboratory Services, Illumina
Classification: Uncertain significance for Metachondromatosis. Last evaluated: 2018-01-13. Review status: criteria provided, single submitter. Criteria: ICSL Variant Classification Criteria 13 December 2019. Collection method: clinical testing. Allele origin: germline.

Illumina Laboratory Services, Illumina
Classification: Uncertain significance for LEOPARD syndrome 1. Last evaluated: 2018-01-13. Review status: criteria provided, single submitter. Criteria: ICSL Variant Classification Criteria 13 December 2019. Collection method: clinical testing. Allele origin: germline.

Illumina Laboratory Services, Illumina
Classification: Uncertain significance for Noonan syndrome 1. Last evaluated: 2018-01-13. Review status: criteria provided, single submitter. Criteria: ICSL Variant Classification Criteria 13 December 2019. Collection method: clinical testing. Allele origin: germline.

Gharavi Laboratory, Columbia University
Classification: Uncertain significance. Last evaluated: 2018-09-16. Review status: no assertion criteria provided. Criteria: ACMG Guidelines, 2015. Collection method: research. Allele origin: germline. Affected: yes. Not counted in ClinVar's aggregate classification.

Literature cited by the submitters: PubMed 34346503 (cited by Labcorp Genetics (formerly Invitae), Labcorp).